The following is an entry in ClinVar:

NM_015338.6(ASXL1):c.455A>G (p.Tyr152Cys)

Gene: ASXL1 (ASXL transcriptional regulator 1; plus strand). Cytogenetic location: 20q11.21.
Variant type: single nucleotide variant.
Coding change: c.455A>G on transcript NM_015338.6 (MANE Select); coding-DNA position 455, A replaced by G.
Protein change: p.Tyr152Cys; replaces tyrosine 152 with cysteine.
Molecular consequence: missense variant.
Genome position (GRCh38, 1-based): chr20:32,428,406, A>G. VCF-style: chr20-32428406-A-G. GRCh37 (hg19) VCF-style: chr20-31016209-A-G.
Other names: c.425A>G, p.Tyr142Cys (NM_001363734.1); short protein forms Y142C, Y152C.
Identifiers: ClinVar variation 3956833 (VCV003956833.1).

ClinVar aggregate classification (germline): Uncertain significance (1 of 4 stars; one submission).

Conditions:
Inborn genetic diseases. Identifiers: MedGen C0950123, MeSH D030342.

gnomAD v4.1: 1 of 1,613,398 alleles (0.000062%); highest among the groups gnomAD compares: Non-Finnish European, 0.000085%; no homozygotes.

Submission:

Ambry Genetics
Classification: Uncertain significance for Inborn genetic diseases. Last evaluated: 2025-05-10. Review status: criteria provided, single submitter. Criteria: Ambry Variant Classification Scheme 2023. Collection method: clinical testing. Allele origin: germline.
Comment: The p.Y152C variant (also known as c.455A>G), located in coding exon 6 of the ASXL1 gene, results from an A to G substitution at nucleotide position 455. The tyrosine at codon 152 is replaced by cysteine, an amino acid with highly dissimilar properties. This amino acid position is conserved. In addition, this alteration is predicted to be tolerated by in silico analysis. Based on the available evidence, the clinical significance of this variant remains unclear.